The following is an entry in ClinVar:

ClinVar aggregate classification (germline): Uncertain significance (1 of 4 stars; one submission).

Allele frequency attached by ClinVar (database versions not stated): gnomAD exomes below 0.00001; ExAC 0.00001; gnomAD 0.00001; TOPMed 0.00001.
gnomAD v4.1: 2 of 1,613,912 alleles (0.00012%); highest among the groups gnomAD compares: Non-Finnish European, 0.00017%; no homozygotes.

Submission:

Labcorp Genetics (formerly Invitae), Labcorp
Classification: Uncertain significance. Last evaluated: 2022-10-13. Review status: criteria provided, single submitter. Criteria: Invitae Variant Classification Sherloc (09022015). Collection method: clinical testing. Allele origin: germline.
Comment: This variant is present in population databases (rs747469766, gnomAD 0.0009%). In summary, the available evidence is currently insufficient to determine the role of this variant in disease. Therefore, it has been classified as a Variant of Uncertain Significance. Algorithms developed to predict the effect of missense changes on protein structure and function (SIFT, PolyPhen-2, Align-GVGD) all suggest that this variant is likely to be disruptive. ClinVar contains an entry for this variant (Variation ID: 1680165). This variant has not been reported in the literature in individuals affected with WHSC1-related conditions. This sequence change replaces glutamic acid, which is acidic and polar, with valine, which is neutral and non-polar, at codon 362 of the WHSC1 protein (p.Glu362Val).

NM_001042424.3(NSD2):c.1085A>T (p.Glu362Val)

Gene: NSD2 (nuclear receptor binding SET domain protein 2; plus strand). Cytogenetic location: 4p16.3.
Variant type: single nucleotide variant.
Coding change: c.1085A>T on transcript NM_001042424.3 (MANE Select); coding-DNA position 1085, A replaced by T.
Protein change: p.Glu362Val; replaces glutamic acid 362 with valine.
Molecular consequence: missense variant.
Genome position (GRCh38, 1-based): chr4:1,918,298, A>T. VCF-style: chr4-1918298-A-T. GRCh37 (hg19) VCF-style: chr4-1920025-A-T.
Other names: c.1085A>T, p.Glu362Val (NM_133330.3, NM_133331.3, NM_133334.3 and 2 more transcripts); short protein forms E362V.
Identifiers: ClinVar variation 1680165 (VCV001680165.8), dbSNP rs747469766, ClinGen allele CA2812020.